The following is an entry in ClinVar:

NM_052874.5(STX1B):c.446A>G (p.Gln149Arg)

Gene: STX1B (syntaxin 1B; minus strand). Cytogenetic location: 16p11.2.
Variant type: single nucleotide variant.
Coding change: c.446A>G on transcript NM_052874.5 (MANE Select); coding-DNA position 446, A replaced by G.
Protein change: p.Gln149Arg; replaces glutamine 149 with arginine.
Molecular consequence: missense variant.
Genome position (GRCh38, 1-based): chr16:30,996,968, T>C on the plus strand (A>G on the coding strand, the complement: STX1B is on the minus strand). VCF-style: chr16-30996968-T-C. GRCh37 (hg19) VCF-style: chr16-31008289-T-C.
Other names: short protein forms Q149R.
Identifiers: ClinVar variation 2580086 (VCV002580086.5), dbSNP rs368752095, ClinGen allele CA280570433.

ClinVar aggregate classification (germline): Uncertain significance. Review status: criteria provided, multiple submitters, no conflicts (2 of 4 stars). 2 submissions from 2 submitters: Uncertain significance (2). Last evaluated 2026-08-12.

Conditions:
Generalized epilepsy with febrile seizures plus, type 9 (GEFSP9). Also called: GEFS+, TYPE 9. Identifiers: Orphanet 36387, MedGen C4015395, MONDO:0014517, OMIM 616172.

Allele frequency attached by ClinVar (database versions not stated): TOPMed below 0.00001; gnomAD exomes 0.00001; ESP Exome Variant Server 0.00008.
gnomAD v4.1: 10 of 1,612,878 alleles (0.00062%); highest among the groups gnomAD compares: Non-Finnish European, 0.00085%; no homozygotes.

Submissions (2):

GeneDx
Classification: Uncertain significance. Last evaluated: 2026-08-12. Review status: criteria provided, single submitter. Criteria: GeneDx Variant Classification Process June 2021. Collection method: clinical testing. Allele origin: germline.
Comment: Not observed at significant frequency in large population cohorts (gnomAD); In silico analysis supports that this missense variant has a deleterious effect on protein structure/function; Has not been previously published as pathogenic or benign to our knowledge

Labcorp Genetics (formerly Invitae), Labcorp
Classification: Uncertain significance for Generalized epilepsy with febrile seizures plus, type 9. Last evaluated: 2024-05-14. Review status: criteria provided, single submitter. Criteria: Invitae Variant Classification Sherloc (09022015). Collection method: clinical testing. Allele origin: germline.
Comment: This sequence change replaces glutamine, which is neutral and polar, with arginine, which is basic and polar, at codon 149 of the STX1B protein (p.Gln149Arg). This variant is present in population databases (rs368752095, gnomAD 0.0009%). This variant has not been reported in the literature in individuals affected with STX1B-related conditions. ClinVar contains an entry for this variant (Variation ID: 2580086). Advanced modeling of protein sequence and biophysical properties (such as structural, functional, and spatial information, amino acid conservation, physicochemical variation, residue mobility, and thermodynamic stability) performed at Invitae indicates that this missense variant is not expected to disrupt STX1B protein function with a negative predictive value of 80%. In summary, the available evidence is currently insufficient to determine the role of this variant in disease. Therefore, it has been classified as a Variant of Uncertain Significance.